The following is an entry in ClinVar:

NM_001197104.2(KMT2A):c.10498C>T (p.Gln3500Ter)

Gene: KMT2A (lysine methyltransferase 2A; plus strand). Cytogenetic location: 11q23.3.
Variant type: single nucleotide variant.
Coding change: c.10498C>T on transcript NM_001197104.2 (MANE Select); coding-DNA position 10498, C replaced by T.
Protein change: p.Gln3500Ter; replaces glutamine 3500 with a stop codon.
Molecular consequence: nonsense.
Genome position (GRCh38, 1-based): chr11:118,506,390, C>T. VCF-style: chr11-118506390-C-T. GRCh37 (hg19) VCF-style: chr11-118377105-C-T.
Other names: c.10588C>T, p.Gln3530Ter (NM_001412597.1); c.10489C>T, p.Gln3497Ter (NM_005933.4); short protein forms Q3497*, Q3530*, Q3500*.
Identifiers: ClinVar variation 2982305 (VCV002982305.3), dbSNP rs2134413189, ClinGen allele CA382825980.
Genomic context (GRCh38, chr11:118,506,390, plus strand): 5'-GGGCCCCAGGTATCCAACTTTACCCAGACGGTAGACGCTCCTAATAGCATGGGACTGGAG[C>T]AGAACAAGGCTTTATCCTCAGCTGTGCAAGCCAGCCCCACCTCTCCTGGGGGTTCTCCAT-3'

ClinVar aggregate classification (germline): Pathogenic (1 of 4 stars; one submission).

Submission:

Labcorp Genetics (formerly Invitae), Labcorp
Classification: Pathogenic. Last evaluated: 2023-08-24. Review status: criteria provided, single submitter. Criteria: Invitae Variant Classification Sherloc (09022015). Collection method: clinical testing. Allele origin: germline.
Comment: This premature translational stop signal has been observed in individual(s) with Wiedemann-Steiner syndrome (PMID: 31974414). This sequence change creates a premature translational stop signal (p.Gln3500*) in the KMT2A gene. It is expected to result in an absent or disrupted protein product. Loss-of-function variants in KMT2A are known to be pathogenic (PMID: 22795537, 25810209, 29574747). This variant is not present in population databases (gnomAD no frequency). For these reasons, this variant has been classified as Pathogenic.

Literature cited by the submitters: PubMed 31974414; PubMed 22795537; PubMed 25810209; PubMed 29574747.